The following is an entry in ClinVar:

NM_020911.2(PLXNA4):c.675G>A (p.Ser225=)

Gene: PLXNA4 (plexin A4; minus strand). Cytogenetic location: 7q32.3.
Variant type: single nucleotide variant.
Coding change: c.675G>A on transcript NM_020911.2 (MANE Select); coding-DNA position 675, G replaced by A.
Protein change: p.Ser225=; no amino-acid change (serine 225 retained).
Molecular consequence: synonymous variant.
Genome position (GRCh38, 1-based): chr7:132,508,019, C>T on the plus strand (G>A on the coding strand, the complement: PLXNA4 is on the minus strand). VCF-style: chr7-132508019-C-T. GRCh37 (hg19) VCF-style: chr7-132192778-C-T.
Other names: c.675G>A, p.Ser225= (NM_001105543.2, NM_001393897.1, NM_181775.4).
Identifiers: ClinVar variation 4990112 (VCV004990112.1).

ClinVar aggregate classification (germline): Likely benign (1 of 4 stars; one submission).

Conditions:
PLXNA4-related disorder. Also called: PLXNA4-related condition.

gnomAD v4.1: 7 of 1,614,210 alleles (0.00043%); highest among the groups gnomAD compares: Admixed American, 0.005%; no homozygotes.

Submission:

PreventionGenetics, part of Exact Sciences
Classification: Likely benign for PLXNA4-related condition. Last evaluated: 2026-06-25. Review status: criteria provided, single submitter. Criteria: ACMG Guidelines, 2015. Collection method: clinical testing. Allele origin: germline.
Comment: This variant is classified as likely benign based on ACMG/AMP sequence variant interpretation guidelines (Richards et al. 2015 PMID: 25741868, with internal and published modifications).